The following is an entry in ClinVar:

ClinVar aggregate classification (germline): Likely benign. Review status: criteria provided, multiple submitters, no conflicts (2 of 4 stars). 3 submissions from 3 submitters: Likely benign (3). Last evaluated 2025-09-04.

Conditions:
ABCC6-related disorder. Also called: ABCC6-related condition.

Allele frequency attached by ClinVar (database versions not stated): ESP Exome Variant Server 0.00008; ExAC 0.00010; 1000 Genomes Project 0.00060; 1000 Genomes Project 30x 0.00062.
gnomAD v4.1: 65 of 1,613,998 alleles (0.004%); highest among the groups gnomAD compares: African/African-American, 0.035%; no homozygotes.

Submissions (3):

Labcorp Genetics (formerly Invitae), Labcorp
Classification: Likely benign. Last evaluated: 2025-09-04. Review status: criteria provided, single submitter. Criteria: Invitae Variant Classification Sherloc (09022015). Collection method: clinical testing. Allele origin: germline.

PreventionGenetics, part of Exact Sciences
Classification: Likely benign for ABCC6-related condition. Last evaluated: 2024-11-27. Review status: criteria provided, single submitter. Criteria: ACMG Guidelines, 2015. Collection method: clinical testing. Allele origin: germline.
Comment: This variant is classified as likely benign based on ACMG/AMP sequence variant interpretation guidelines (Richards et al. 2015 PMID: 25741868, with internal and published modifications).

Blueprint Genetics
Classification: Likely benign. Last evaluated: 2022-11-17. Review status: criteria provided, single submitter. Criteria: ACMG Guidelines, 2015. Collection method: clinical testing. Allele origin: germline.

NM_001171.6(ABCC6):c.3690C>T (p.Ile1230=)

Gene: ABCC6 (ATP binding cassette subfamily C member 6; minus strand). Cytogenetic location: 16p13.11.
Variant type: single nucleotide variant.
Coding change: c.3690C>T on transcript NM_001171.6 (MANE Select); coding-DNA position 3690, C replaced by T.
Protein change: p.Ile1230=; no amino-acid change (isoleucine 1230 retained).
Molecular consequence: synonymous variant. On other transcripts: non-coding transcript variant (1).
Genome position (GRCh38, 1-based): chr16:16,159,527, G>A on the plus strand (C>T on the coding strand, the complement: ABCC6 is on the minus strand). VCF-style: chr16-16159527-G-A. GRCh37 (hg19) VCF-style: chr16-16253384-G-A.
Other names: c.3690C>T (NM_001171.5); c.3348C>T, p.Ile1116= (NM_001351800.1).
Identifiers: ClinVar variation 1635637 (VCV001635637.10), dbSNP rs368931767, ClinGen allele CA7925485.